The following is an entry in ClinVar:

ClinVar aggregate classification (germline): Benign/Likely benign. Review status: criteria provided, multiple submitters, no conflicts (2 of 4 stars). 6 submissions from 6 submitters: Benign (1); Likely benign (5). Last evaluated 2026-01-12.

Conditions:
Episodic ataxia type 1 (EA1). Also called: Episodic ataxia/myokymia syndrome; MYOKYMIA WITH PERIODIC ATAXIA; PAROXYSMAL ATAXIA WITH NEUROMYOTONIA, HEREDITARY; ATAXIA, EPISODIC, WITH MYOKYMIA. Identifiers: Orphanet 37612, Orphanet 972, MedGen C1719788, MONDO:0008047, OMIM 160120.

Allele frequency attached by ClinVar (database versions not stated): ESP Exome Variant Server 0.00015; gnomAD 0.00015 and 0.00017; TOPMed 0.00020; ExAC 0.00028; 1000 Genomes Project 30x 0.00047; 1000 Genomes Project 0.00060.

Submissions (6):

Labcorp Genetics (formerly Invitae), Labcorp
Classification: Likely benign for Episodic ataxia type 1. Last evaluated: 2026-01-12. Review status: criteria provided, single submitter. Criteria: Invitae Variant Classification Sherloc (09022015). Collection method: clinical testing. Allele origin: germline.

CeGaT Center for Human Genetics Tuebingen
Classification: Likely benign. Last evaluated: 2026-01-01. Review status: criteria provided, single submitter. Criteria: CeGaT Center For Human Genetics Tuebingen Variant Classification Criteria Version 2. Collection method: clinical testing. Allele origin: germline. Affected: yes. Observed: 10 variant alleles.
Comment: KCNA1: BP4, BP7

Athena Diagnostics
Classification: Benign. Last evaluated: 2025-02-10. Review status: criteria provided, single submitter. Criteria: Athena Diagnostics Criteria. Collection method: clinical testing. Allele origin: unknown.
Comment: The frequency of this variant in the general population is higher than would generally be expected for pathogenic variants in this gene.

Blueprint Genetics
Classification: Likely benign. Last evaluated: 2024-11-15. Review status: criteria provided, single submitter. Criteria: ACMG Guidelines, 2015. Collection method: clinical testing. Allele origin: germline.

Fulgent Genetics
Classification: Likely benign for Episodic ataxia type 1. Last evaluated: 2022-02-04. Review status: criteria provided, single submitter. Criteria: ACMG Guidelines, 2015. Collection method: clinical testing. Allele origin: unknown.

Breakthrough Genomics
Classification: Likely benign. Review status: criteria provided, single submitter. Criteria: ACMG Guidelines, 2015. Collection method: not provided. Allele origin: germline. Inheritance: Autosomal dominant inheritance. Affected: yes.

NM_000217.3(KCNA1):c.114C>T (p.Arg38=)

Gene: KCNA1 (potassium voltage-gated channel subfamily A member 1; plus strand). Cytogenetic location: 12p13.32.
Variant type: single nucleotide variant.
Coding change: c.114C>T on transcript NM_000217.3 (MANE Select); coding-DNA position 114, C replaced by T.
Protein change: p.Arg38=; no amino-acid change (arginine 38 retained).
Molecular consequence: synonymous variant.
Genome position (GRCh38, 1-based): chr12:4,911,492, C>T. VCF-style: chr12-4911492-C-T. GRCh37 (hg19) VCF-style: chr12-5020658-C-T.
Identifiers: ClinVar variation 447608 (VCV000447608.48), dbSNP rs146308797, ClinGen allele CA6399345.
Genomic context (GRCh38, chr12:4,911,492, plus strand): 5'-CCCCCAGGATGGCAGCTACCCCCGGCAGGCCGACCACGACGACCACGAGTGCTGCGAGCG[C>T]GTGGTGATCAACATCTCCGGGCTGCGCTTCGAGACGCAGCTCAAGACCCTGGCGCAGTTC-3'
Protein context (NP_000208.2, residues 28-48): ADHDDHECCE[Arg38=]VVINISGLRF